The following is an entry in ClinVar:

ClinVar aggregate classification (germline): Uncertain significance. Review status: criteria provided, multiple submitters, no conflicts (2 of 4 stars). 3 submissions from 3 submitters: Uncertain significance (3). Last evaluated 2025-10-19.

Conditions:
Pheochromocytoma. Also called: MAX-Related Hereditary Paraganglioma-Pheochromocytoma Syndrome. Identifiers: Orphanet 29072, MedGen C0031511, MONDO:0008233, OMIM 171300, HP:0002666.
Hereditary cancer-predisposing syndrome. Also called: Tumor predisposition; Hereditary Cancer Syndrome; Neoplastic Syndromes, Hereditary; Hereditary neoplastic syndrome. Identifiers: Orphanet 140162, MedGen C0027672, MeSH D009386, MONDO:0015356.
Hereditary pheochromocytoma and paraganglioma. Also called: Hereditary Paraganglioma-Pheochromocytoma Syndromes; Hereditary paragangliomas and pheochromocytomas; Hereditary pheochromocytoma-paraganglioma. Identifiers: Orphanet 29072, MedGen C4274332, MONDO:0017366.

Allele frequency attached by ClinVar (database versions not stated): TOPMed below 0.00001.

Submissions (3):

Ambry Genetics
Classification: Uncertain significance for Hereditary cancer-predisposing syndrome. Last evaluated: 2025-10-19. Review status: criteria provided, single submitter. Criteria: Ambry Variant Classification Scheme 2023. Collection method: clinical testing. Allele origin: germline.
Comment: The p.C61S variant (also known as c.182G>C), located in coding exon 1 of the TMEM127 gene, results from a G to C substitution at nucleotide position 182. The cysteine at codon 61 is replaced by serine, an amino acid with dissimilar properties. This amino acid position is highly conserved in available vertebrate species. In addition, this alteration is predicted to be deleterious by in silico analysis. Since supporting evidence is limited at this time, the clinical significance of this alteration remains unclear.

Labcorp Genetics (formerly Invitae), Labcorp
Classification: Uncertain significance for Hereditary pheochromocytoma and paraganglioma. Last evaluated: 2025-01-08. Review status: criteria provided, single submitter. Criteria: Invitae Variant Classification Sherloc (09022015). Collection method: clinical testing. Allele origin: germline.
Comment: This sequence change replaces cysteine, which is neutral and slightly polar, with serine, which is neutral and polar, at codon 61 of the TMEM127 protein (p.Cys61Ser). This variant is not present in population databases (gnomAD no frequency). This variant has not been reported in the literature in individuals affected with TMEM127-related conditions. ClinVar contains an entry for this variant (Variation ID: 337507). An algorithm developed to predict the effect of missense changes on protein structure and function (PolyPhen-2) suggests that this variant is likely to be disruptive. In summary, the available evidence is currently insufficient to determine the role of this variant in disease. Therefore, it has been classified as a Variant of Uncertain Significance.

Illumina Laboratory Services, Illumina
Classification: Uncertain significance for Pheochromocytoma. Last evaluated: 2018-01-13. Review status: criteria provided, single submitter. Criteria: ICSL Variant Classification Criteria 13 December 2019. Collection method: clinical testing. Allele origin: germline.

NM_017849.4(TMEM127):c.182G>C (p.Cys61Ser)

Gene: TMEM127 (transmembrane protein 127; minus strand). Cytogenetic location: 2q11.2.
Variant type: single nucleotide variant.
Coding change: c.182G>C on transcript NM_017849.4 (MANE Select); coding-DNA position 182, G replaced by C.
Protein change: p.Cys61Ser; replaces cysteine 61 with serine.
Molecular consequence: missense variant.
Genome position (GRCh38, 1-based): chr2:96,265,200, C>G on the plus strand (G>C on the coding strand, the complement: TMEM127 is on the minus strand). VCF-style: chr2-96265200-C-G. GRCh37 (hg19) VCF-style: chr2-96930938-C-G.
Other names: c.182G>C, p.Cys61Ser (NM_001193304.3); short protein forms C61S.
Identifiers: ClinVar variation 337507 (VCV000337507.18), dbSNP rs886056448, ClinGen allele CA10614186.